The following is an entry in ClinVar:

ClinVar aggregate classification (germline): Likely pathogenic. Review status: criteria provided, multiple submitters, no conflicts (2 of 4 stars). 4 submissions from 4 submitters: Likely pathogenic (4). Last evaluated 2026-08-19.

Conditions:
Postaxial polydactyly-anterior pituitary anomalies-facial dysmorphism syndrome. Also called: Culler-Jones syndrome. Identifiers: Orphanet 420584, MedGen C4014479, MONDO:0014369, OMIM 615849.
GLI2-related disorder. Also called: GLI2-related disorders; GLI2-related condition.
Holoprosencephaly 9 (HPE9). Also called: PITUITARY ANOMALIES WITH HOLOPROSENCEPHALY-LIKE FEATURES; HOLOPROSENCEPHALY WITH MICROPHTHALMIA AND FIRST BRANCHIAL ARCH ANOMALIES. Identifiers: Orphanet 2162, MedGen C1835819, MONDO:0012563, OMIM 610829.

Submissions (4):

PreventionGenetics, part of Exact Sciences
Classification: Likely pathogenic for GLI2-related condition. Last evaluated: 2026-08-19. Review status: criteria provided, single submitter. Criteria: ACMG Guidelines, 2015. Collection method: clinical testing. Allele origin: germline.
Comment: The GLI2 c.1189delG variant is predicted to result in a frameshift and premature protein termination (p.Val397Cysfs*124). This variant has been reported in two individuals with short stature in a large cohort study; one of these individuals also carried a heterozygous NF1 splicing variant (Table S2/S3, Fan et al. 2021. PubMed ID: 34006472). This variant is reported in 0.0054% of alleles in individuals of East Asian descent in gnomAD. Frameshift variants in GLI2 are expected to be pathogenic. This variant is interpreted as likely pathogenic.

GeneDx
Classification: Likely pathogenic. Last evaluated: 2026-04-16. Review status: criteria provided, single submitter. Criteria: GeneDx Variant Classification Process June 2021. Collection method: clinical testing. Allele origin: germline.
Comment: Reported in a proband with short stature who also harbors a splice site variant in the NF1 gene (PMID: 34006472); Identified on prenatal trio exome sequencing in a fetus with growth restriction; however, postnatal clinical information was not provided (PMID: 41836057); Not observed at significant frequency in large population cohorts (gnomAD); Frameshift variant predicted to result in protein truncation or nonsense mediated decay in a gene for which loss of function is a known mechanism of disease; This variant is associated with the following publications: (PMID: 41836057, 35346302, 34006472)

MVZ Martinsried, Medicover Genetics
Classification: Likely pathogenic for Holoprosencephaly 9. Last evaluated: 2023-09-05. Review status: criteria provided, single submitter. Criteria: ACGS Guidelines, 2020. Collection method: clinical testing. Allele origin: inherited.

Medical Genetics and Prenatal Diagnosis Center, Guangxi Academy of Medical Sciences and the People’s Hospital of Guangxi Zhuang Autonomous Region
Classification: Likely pathogenic for Postaxial polydactyly-anterior pituitary anomalies-facial dysmorphism syndrome. Review status: criteria provided, single submitter. Criteria: ACMG Guidelines, 2015. Collection method: clinical testing. Allele origin: paternal. Affected: yes.
Comment: NM_005270.5(GLI2):c.1189del is a frameshift deletion predicted to cause premature termination of protein synthesis (PVS1); this variant was not detected in the 1000 Genomes Project (1000G), the China Genome Database, or the Exome Aggregation Consortium (ExAC), with a reported frequency of 0.000192308 in the Genome Aggregation Database (gnomAD) (PM2_Supporting); this known variant is classified as DM in the HGMD database [PMID: 34006472]. Public database queries indicate that mutations in the gene GLI2 are associated with Culler-Jones syndrome. In summary, based on the ACMG Guidelines, 2015 (PMID: 25741868), the above evidence supports classifying this variant as Likely Pathogenic, with the classification criteria being PVS1 and PM2_Supporting.

Literature cited by the submitters: PubMed 34006472 (cited by Medical Genetics and Prenatal Diagnosis Center, Guangxi Academy of Medical Sciences and the People’s Hospital of Guangxi Zhuang Autonomous Region).

NM_001374353.1(GLI2):c.1183-45del

Gene: GLI2 (GLI family zinc finger 2; plus strand). Cytogenetic location: 2q14.2.
Variant type: Deletion.
Coding change: c.1183-45del on transcript NM_001374353.1 (MANE Select); 45 bases into the intron before coding-DNA position 1183, one base deleted (G; older notation c.1183-45delG).
Molecular consequence: intron variant. On other transcripts: frameshift variant (2).
Genome position (GRCh38, 1-based): chr2:120,974,930, G deleted; the last of 2 consecutive G bases (chr2:120,974,929-120,974,930); deleting either gives the same sequence. VCF-style (leftmost placement, unchanged base first): chr2-120974928-AG-A. GRCh37 (hg19) VCF-style: chr2-121732504-AG-A.
Other names: c.1189del, p.Val397fs (NM_001371271.1, NM_005270.5); c.808-45del (NM_001374354.1); c.1189del (NM_005270.4); short protein forms V397fs.
Identifiers: ClinVar variation 2579153 (VCV002579153.4), dbSNP rs771980421, ClinGen allele CA54370304.